The following is an entry in ClinVar:

ClinVar aggregate classification (germline): Benign/Likely benign. Review status: criteria provided, multiple submitters, no conflicts (2 of 4 stars). 6 submissions from 6 submitters: Benign (2); Likely benign (4). Last evaluated 2026-01-07.

Conditions:
Autoinflammation-PLCG2-associated antibody deficiency-immune dysregulation. Also called: AUTOINFLAMMATION, ANTIBODY DEFICIENCY, AND IMMUNE DYSREGULATION; Autoinflammation, antibody deficiency, and immune dysregulation syndrome; Autoinflammation, antibody deficiency, and immune dysregulation, plcg2-associated. Identifiers: Orphanet 324530, MedGen C3553961, MONDO:0013944, OMIM 614878.
Familial cold autoinflammatory syndrome 3 (FCAS3). Also called: ANTIBODY DEFICIENCY AND IMMUNE DYSREGULATION, PLCG2-ASSOCIATED; FAMILIAL ATYPICAL COLD URTICARIA. Identifiers: Orphanet 300359, MedGen C3280914, MONDO:0013766, OMIM 614468.

Allele frequency attached by ClinVar (database versions not stated): gnomAD 0.00013 and 0.00018; ESP Exome Variant Server 0.00016; gnomAD exomes 0.00017 and 0.00024; TOPMed 0.00017; ExAC 0.00029; 1000 Genomes Project 30x 0.00031; 1000 Genomes Project 0.00040.
gnomAD v4.1: 273 of 1,613,978 alleles (0.017%); highest among the groups gnomAD compares: South Asian, 0.14%; 1 homozygote.

Submissions (6):

Labcorp Genetics (formerly Invitae), Labcorp
Classification: Benign for Familial cold autoinflammatory syndrome 3. Last evaluated: 2026-01-07. Review status: criteria provided, single submitter. Criteria: Invitae Variant Classification Sherloc (09022015). Collection method: clinical testing. Allele origin: germline.

Blueprint Genetics
Classification: Likely benign. Last evaluated: 2024-07-18. Review status: criteria provided, single submitter. Criteria: ACMG Guidelines, 2015. Collection method: clinical testing. Allele origin: germline.

ARUP Laboratories, Molecular Genetics and Genomics, ARUP Laboratories
Classification: Benign. Last evaluated: 2024-07-12. Review status: criteria provided, single submitter. Criteria: ARUP Molecular Germline Variant Investigation Process 2024. Collection method: clinical testing. Allele origin: germline.

CeGaT Center for Human Genetics Tuebingen
Classification: Likely benign. Last evaluated: 2024-07-01. Review status: criteria provided, single submitter. Criteria: CeGaT Center For Human Genetics Tuebingen Variant Classification Criteria Version 2. Collection method: clinical testing. Allele origin: germline. Affected: yes. Observed: 1 variant allele.
Comment: PLCG2: BP4, BP7, BS1

Fulgent Genetics
Classification: Likely benign for Familial cold autoinflammatory syndrome 3; Autoinflammation-PLCG2-associated antibody deficiency-immune dysregulation. Last evaluated: 2022-03-23. Review status: criteria provided, single submitter. Criteria: ACMG Guidelines, 2015. Collection method: clinical testing. Allele origin: unknown.

Breakthrough Genomics
Classification: Likely benign. Review status: criteria provided, single submitter. Criteria: ACMG Guidelines, 2015. Collection method: not provided. Allele origin: germline. Inheritance: Autosomal dominant inheritance. Affected: yes.

NM_002661.5(PLCG2):c.1383A>G (p.Arg461=)

Gene: PLCG2 (phospholipase C gamma 2; plus strand). Cytogenetic location: 16q23.3.
Variant type: single nucleotide variant.
Coding change: c.1383A>G on transcript NM_002661.5 (MANE Select); coding-DNA position 1383, A replaced by G.
Protein change: p.Arg461=; no amino-acid change (arginine 461 retained).
Molecular consequence: synonymous variant.
Genome position (GRCh38, 1-based): chr16:81,905,423, A>G. VCF-style: chr16-81905423-A-G. GRCh37 (hg19) VCF-style: chr16-81939028-A-G.
Identifiers: ClinVar variation 618328 (VCV000618328.40), dbSNP rs369098550, ClinGen allele CA8193743.
Genomic context (GRCh38, chr16:81,905,423, plus strand): 5'-GTCTCCATGGAGACAGCCTATGTATATGTTTTCCCCTCAGCATAAGAAGCTGGGCCCCCG[A>G]GGCGATGTGGATGTCAACATGGAGGACAAGAAGGACGAACACAAGCAACAGGGGGAGCTG-3'
Protein context (NP_002652.2, residues 451-471): IIIKHKKLGP[Arg461=]GDVDVNMEDK